The following is an entry in ClinVar:

ClinVar aggregate classification (germline): Likely benign (1 of 4 stars; one submission).

Conditions:
OTOGL-related disorder. Also called: OTOGL-related condition.

gnomAD v4.1: 27 of 1,605,490 alleles (0.0017%); highest among the groups gnomAD compares: African/African-American, 0.033%; no homozygotes.

Submission:

PreventionGenetics, part of Exact Sciences
Classification: Likely benign for OTOGL-related condition. Last evaluated: 2025-02-02. Review status: criteria provided, single submitter. Criteria: ACMG Guidelines, 2015. Collection method: clinical testing. Allele origin: germline.
Comment: This variant is classified as likely benign based on ACMG/AMP sequence variant interpretation guidelines (Richards et al. 2015 PMID: 25741868, with internal and published modifications).

NM_001378609.3(OTOGL):c.5202G>A (p.Glu1734=)

Gene: OTOGL (otogelin like; plus strand). Cytogenetic location: 12q21.31.
Variant type: single nucleotide variant.
Coding change: c.5202G>A on transcript NM_001378609.3 (MANE Select); coding-DNA position 5202, G replaced by A.
Protein change: p.Glu1734=; no amino-acid change (glutamic acid 1734 retained).
Molecular consequence: synonymous variant.
Genome position (GRCh38, 1-based): chr12:80,342,099, G>A. VCF-style: chr12-80342099-G-A. GRCh37 (hg19) VCF-style: chr12-80735879-G-A.
Other names: c.5067G>A, p.Glu1689= (NM_001368062.3); c.5202G>A, p.Glu1734= (NM_001378610.3, NM_173591.7).
Identifiers: ClinVar variation 4981730 (VCV004981730.1).